The following is an entry in ClinVar:

ClinVar aggregate classification (germline): Uncertain significance (1 of 4 stars; one submission).

gnomAD v4.1: 4 of 1,608,274 alleles (0.00025%); highest among the groups gnomAD compares: African/African-American, 0.0014%; no homozygotes.

Submission:

Dasa
Classification: Uncertain significance. Last evaluated: 2025-05-29. Review status: criteria provided, single submitter. Criteria: DASA Assertion Criteria. Collection method: clinical testing. Allele origin: germline.
Comment: NM_001170535.3(ATAD3A):c.893G>A (p.Arg298Gln) is a missense variant that results in the substitution of arginine with glutamine. This variant is rare in population databases. Computational prediction algorithms are consistent with a benign effect. The currently available literature and clinical evidence are not sufficient to establish a definitive association between this variant and the reported condition. Therefore, this variant is classified as a variant of uncertain significance.

NM_001170535.3(ATAD3A):c.893G>A (p.Arg298Gln)

Gene: ATAD3A (ATPase family AAA domain containing 3A; plus strand). Cytogenetic location: 1p36.33.
Variant type: single nucleotide variant.
Coding change: c.893G>A on transcript NM_001170535.3 (MANE Select); coding-DNA position 893, G replaced by A.
Protein change: p.Arg298Gln; replaces arginine 298 with glutamine.
Molecular consequence: missense variant.
Genome position (GRCh38, 1-based): chr1:1,522,886, G>A. VCF-style: chr1-1522886-G-A. GRCh37 (hg19) VCF-style: chr1-1458266-G-A.
Other names: c.656G>A, p.Arg219Gln (NM_001170536.3); c.1037G>A, p.Arg346Gln (NM_018188.5); short protein forms R219Q, R298Q, R346Q.
Identifiers: ClinVar variation 4880854 (VCV004880854.2).